The following is an entry in ClinVar:

NM_002617.4(PEX10):c.74_78delinsA (p.Leu25fs)

Gene: PEX10 (peroxisomal biogenesis factor 10; minus strand). Cytogenetic location: 1p36.32.
Variant type: Indel.
Coding change: c.74_78delinsA on transcript NM_002617.4 (MANE Select); coding-DNA positions 74 to 78, TGCGG replaced by A.
Protein change: p.Leu25fs; shifts the reading frame from leucine 25.
Molecular consequence: frameshift variant. On other transcripts: intron variant (2).
Genome position (GRCh38, 1-based): chr1:2,412,425-2,412,429, CCGCA replaced by T on the plus strand (TGCGG replaced by A on the coding strand, the reverse complement: PEX10 is on the minus strand). VCF-style: chr1-2412425-CCGCA-T. GRCh37 (hg19) VCF-style: chr1-2343864-CCGCA-T.
Other names: c.74_78delinsA, p.Leu25fs (NM_001374425.1, NM_153818.2); c.-321+1168_-321+1172delinsA (NM_001374427.1, NM_001374426.1); short protein forms L25fs.
Identifiers: ClinVar variation 4816952 (VCV004816952.1).

ClinVar aggregate classification (germline): Likely pathogenic (1 of 4 stars; one submission).

Conditions:
Zellweger spectrum disorders (ZS). Also called: Zellweger Spectrum Disorder (ZSD); Zellweger syndrome; Zellweger Spectrum Disorder; Zellweger Spectrum. Identifiers: Orphanet 912, MedGen C0043459, MONDO:0019609.

Submission:

Natera, Inc.
Classification: Likely pathogenic for Zellweger syndrome. Last evaluated: 2025-02-24. Review status: criteria provided, single submitter. Criteria: Natera Variant Classification Schema (03/2026). Collection method: clinical testing. Allele origin: germline.
Comment: The c.74_78delinsA variant in PEX10 is a frameshift variant predicted to shift the reading frame beginning at codon 25 and leads to a stop codon 71 codons downstream. This variant is expected to result in nonsense mediated decay, truncation, or a dysfunctional protein product. This variant is rare in the general population with a frequency below the threshold expected for the associated phenotype(s). Given the available evidence, this variant is classified as Likely Pathogenic.